The following is an entry in ClinVar:

NM_002055.5(GFAP):c.1225G>A (p.Val409Met)

Gene: GFAP (glial fibrillary acidic protein; minus strand). Cytogenetic location: 17q21.31.
Variant type: single nucleotide variant.
Coding change: c.1225G>A on transcript NM_002055.5 (MANE Select); coding-DNA position 1225, G replaced by A.
Protein change: p.Val409Met; replaces valine 409 with methionine.
Molecular consequence: missense variant.
Genome position (GRCh38, 1-based): chr17:44,908,096, C>T on the plus strand (G>A on the coding strand, the complement: GFAP is on the minus strand). VCF-style: chr17-44908096-C-T. GRCh37 (hg19) VCF-style: chr17-42985464-C-T.
Other names: c.1345G>A, p.Val449Met (NM_001363846.2); short protein forms V409M, V449M.
Identifiers: ClinVar variation 1429782 (VCV001429782.7), dbSNP rs1485688823, ClinGen allele CA399838917.

ClinVar aggregate classification (germline): Uncertain significance. Review status: criteria provided, multiple submitters, no conflicts (2 of 4 stars). 2 submissions from 2 submitters: Uncertain significance (2). Last evaluated 2024-12-19.

Conditions:
Alexander disease (ALXDRD). Also called: Alexander's disease. Identifiers: Orphanet 58, MedGen C0270726, MONDO:0008752, OMIM 203450.

Allele frequency attached by ClinVar (database versions not stated): gnomAD 0.00001; gnomAD exomes 0.00001; TOPMed 0.00003.
gnomAD v4.1: 9 of 1,609,108 alleles (0.00056%); highest among the groups gnomAD compares: African/African-American, 0.004%; no homozygotes.

Submissions (2):

Genomic Medicine Center of Excellence, King Faisal Specialist Hospital and Research Centre
Classification: Uncertain significance for Alexander disease. Last evaluated: 2024-12-19. Review status: criteria provided, single submitter. Criteria: ACMG Guidelines, 2015. Collection method: clinical testing. Allele origin: germline.

Labcorp Genetics (formerly Invitae), Labcorp
Classification: Uncertain significance. Last evaluated: 2021-12-03. Review status: criteria provided, single submitter. Criteria: Invitae Variant Classification Sherloc (09022015). Collection method: clinical testing. Allele origin: germline.
Comment: This sequence change replaces valine, which is neutral and non-polar, with methionine, which is neutral and non-polar, at codon 409 of the GFAP protein (p.Val409Met). This variant is not present in population databases (gnomAD no frequency). This variant has not been reported in the literature in individuals affected with GFAP-related conditions. Algorithms developed to predict the effect of missense changes on protein structure and function are either unavailable or do not agree on the potential impact of this missense change (SIFT: "Deleterious"; PolyPhen-2: "Benign"; Align-GVGD: "Class C0"). In summary, the available evidence is currently insufficient to determine the role of this variant in disease. Therefore, it has been classified as a Variant of Uncertain Significance.